The following is an entry in ClinVar:

NM_020433.5(JPH2):c.1928G>C (p.Arg643Pro)

Gene: JPH2 (junctophilin 2; minus strand). Cytogenetic location: 20q13.12.
Variant type: single nucleotide variant.
Coding change: c.1928G>C on transcript NM_020433.5 (MANE Select); coding-DNA position 1928, G replaced by C.
Protein change: p.Arg643Pro; replaces arginine 643 with proline.
Molecular consequence: missense variant.
Genome position (GRCh38, 1-based): chr20:44,115,747, C>G on the plus strand (G>C on the coding strand, the complement: JPH2 is on the minus strand). VCF-style: chr20-44115747-C-G. GRCh37 (hg19) VCF-style: chr20-42744387-C-G.
Other names: short protein forms R643P.
Identifiers: ClinVar variation 1782806 (VCV001782806.3), dbSNP rs1290050085, ClinGen allele CA409099656.

ClinVar aggregate classification (germline): Uncertain significance. Review status: criteria provided, multiple submitters, no conflicts (2 of 4 stars). 2 submissions from 2 submitters: Uncertain significance (2). Last evaluated 2025-07-02.

Conditions:
Cardiovascular phenotype. Identifiers: MedGen CN230736.
Hypertrophic cardiomyopathy. Also called: HYPERTROPHIC MYOCARDIOPATHY. Identifiers: Orphanet 217569, MedGen C0007194, MeSH D002312, MONDO:0005045, HP:0001639.

Allele frequency attached by ClinVar (database versions not stated): gnomAD exomes below 0.00001.
gnomAD v4.1: 1 of 1,613,264 alleles (0.000062%); highest among the groups gnomAD compares: South Asian, 0.0011%; no homozygotes.

Submissions (2):

Labcorp Genetics (formerly Invitae), Labcorp
Classification: Uncertain significance for Hypertrophic cardiomyopathy. Last evaluated: 2025-07-02. Review status: criteria provided, single submitter. Criteria: Invitae Variant Classification Sherloc (09022015). Collection method: clinical testing. Allele origin: germline.
Comment: This sequence change replaces arginine, which is basic and polar, with proline, which is neutral and non-polar, at codon 643 of the JPH2 protein (p.Arg643Pro). This variant is not present in population databases (gnomAD no frequency). This variant has not been reported in the literature in individuals affected with JPH2-related conditions. ClinVar contains an entry for this variant (Variation ID: 1782806). An algorithm developed to predict the effect of missense changes on protein structure and function (PolyPhen-2) suggests that this variant is likely to be tolerated. In summary, the available evidence is currently insufficient to determine the role of this variant in disease. Therefore, it has been classified as a Variant of Uncertain Significance.

Ambry Genetics
Classification: Uncertain significance for Cardiovascular phenotype. Last evaluated: 2022-01-10. Review status: criteria provided, single submitter. Criteria: Ambry Variant Classification Scheme 2023. Collection method: clinical testing. Allele origin: germline.
Comment: The p.R643P variant (also known as c.1928G>C), located in coding exon 4 of the JPH2 gene, results from a G to C substitution at nucleotide position 1928. The arginine at codon 643 is replaced by proline, an amino acid with dissimilar properties. This amino acid position is conserved. In addition, this alteration is predicted to be tolerated by in silico analysis. Since supporting evidence is limited at this time, the clinical significance of this alteration remains unclear.